The following is an entry in ClinVar:

ClinVar aggregate classification (germline): Benign/Likely benign. Review status: criteria provided, multiple submitters, no conflicts (2 of 4 stars). 5 submissions from 5 submitters: Benign (1); Likely benign (2). 2 of the submissions do not count toward it. Last evaluated 2026-01-13.

Conditions:
Nephronophthisis 14 (NPHP14). Identifiers: Orphanet 2318, MedGen C3539071, MONDO:0013916, OMIM 614844.

Allele frequency attached by ClinVar (database versions not stated): gnomAD 0.00005 and 0.00023; TOPMed 0.00008; gnomAD exomes 0.00042 and 0.00072; ExAC 0.00078; 1000 Genomes Project 30x 0.00109; 1000 Genomes Project 0.00140.
gnomAD v4.1: 645 of 1,614,138 alleles (0.04%); highest among the groups gnomAD compares: South Asian, 0.56%; 6 homozygotes.

Submissions (5):

Labcorp Genetics (formerly Invitae), Labcorp
Classification: Benign for Nephronophthisis 14. Last evaluated: 2026-01-13. Review status: criteria provided, single submitter. Criteria: Invitae Variant Classification Sherloc (09022015). Collection method: clinical testing. Allele origin: germline.

CeGaT Center for Human Genetics Tuebingen
Classification: Likely benign. Last evaluated: 2025-07-01. Review status: criteria provided, single submitter. Criteria: CeGaT Center For Human Genetics Tuebingen Variant Classification Criteria Version 2. Collection method: clinical testing. Allele origin: germline. Affected: yes. Observed: 3 variant alleles.
Comment: ZNF423: BP4, BP7

Blueprint Genetics
Classification: Likely benign. Last evaluated: 2024-11-20. Review status: criteria provided, single submitter. Criteria: ACMG Guidelines, 2015. Collection method: clinical testing. Allele origin: germline.

Clinical Genetics DNA and cytogenetics Diagnostics Lab, Erasmus MC, Erasmus Medical Center
Classification: Likely benign. Review status: no assertion criteria provided. Collection method: clinical testing. Allele origin: germline. Affected: yes. Study: VKGL Data-share Consensus. Not counted in ClinVar's aggregate classification.

Clinical Genetics, Academic Medical Center
Classification: Benign. Review status: no assertion criteria provided. Collection method: clinical testing. Allele origin: germline. Affected: yes. Study: VKGL Data-share Consensus. Not counted in ClinVar's aggregate classification.

NM_001379286.1(ZNF423):c.453C>T (p.Cys151=)

Gene: ZNF423 (zinc finger protein 423; minus strand). Cytogenetic location: 16q12.1.
Variant type: single nucleotide variant.
Coding change: c.453C>T on transcript NM_001379286.1 (MANE Select); coding-DNA position 453, C replaced by T.
Protein change: p.Cys151=; no amino-acid change (cysteine 151 retained).
Molecular consequence: synonymous variant.
Genome position (GRCh38, 1-based): chr16:49,638,723, G>A on the plus strand (C>T on the coding strand, the complement: ZNF423 is on the minus strand). VCF-style: chr16-49638723-G-A. GRCh37 (hg19) VCF-style: chr16-49672634-G-A.
Other names: c.249C>T, p.Cys83= (NM_001271620.2); c.78C>T, p.Cys26= (NM_001330533.2); c.429C>T, p.Cys143= (NM_015069.5).
Identifiers: ClinVar variation 1168546 (VCV001168546.30), dbSNP rs569824346, ClinGen allele CA8046869.
Genomic context (GRCh38, chr16:49,638,723, plus strand): 5'-CTTGTCGCTGTGGATCTGCTCGTGCCTCTTCAAGTAGCTCAAGCGGATGAAGGACTTGTC[G>A]CAGAACTGGCAAGGGTATGGCAGGCCCGTGCCCCCTTCCTCCTCGCCGAGGCCGAGGTCA-3'
Protein context (NP_001366215.1, residues 141-161): GTGLPYPCQF[Cys151=]DKSFIRLSYL